The following is an entry in ClinVar:

NM_004304.5(ALK):c.4636G>A (p.Ala1546Thr)

Gene: ALK (ALK receptor tyrosine kinase; minus strand). Cytogenetic location: 2p23.2.
Variant type: single nucleotide variant.
Coding change: c.4636G>A on transcript NM_004304.5 (MANE Select); coding-DNA position 4636, G replaced by A.
Protein change: p.Ala1546Thr; replaces alanine 1546 with threonine.
Molecular consequence: missense variant.
Genome position (GRCh38, 1-based): chr2:29,193,451, C>T on the plus strand (G>A on the coding strand, the complement: ALK is on the minus strand). VCF-style: chr2-29193451-C-T. GRCh37 (hg19) VCF-style: chr2-29416317-C-T.
Other names: c.1432G>A, p.Ala478Thr (NM_001353765.2); short protein forms A1546T, A478T.
Identifiers: ClinVar variation 856366 (VCV000856366.10), dbSNP rs1668930591, ClinGen allele CA346460552.

ClinVar aggregate classification (germline): Uncertain significance. Review status: criteria provided, multiple submitters, no conflicts (2 of 4 stars). 2 submissions from 2 submitters: Uncertain significance (2). Last evaluated 2024-09-02.

Conditions:
Hereditary cancer-predisposing syndrome. Also called: Hereditary neoplastic syndrome; Tumor predisposition; Neoplastic Syndromes, Hereditary; Hereditary Cancer Syndrome. Identifiers: Orphanet 140162, MedGen C0027672, MeSH D009386, MONDO:0015356.
Neuroblastoma, susceptibility to, 3. Also called: ALK-Related Neuroblastic Tumor Susceptibility. Identifiers: Orphanet 635, MedGen C2751681, MONDO:0013083, OMIM 613014.

Submissions (2):

Ambry Genetics
Classification: Uncertain significance for Hereditary cancer-predisposing syndrome. Last evaluated: 2024-09-02. Review status: criteria provided, single submitter. Criteria: Ambry Variant Classification Scheme 2023. Collection method: clinical testing. Allele origin: germline.
Comment: The p.A1546T variant (also known as c.4636G>A), located in coding exon 29 of the ALK gene, results from a G to A substitution at nucleotide position 4636. The alanine at codon 1546 is replaced by threonine, an amino acid with similar properties. This amino acid position is conserved. In addition, this alteration is predicted to be tolerated by in silico analysis. Based on the available evidence, the clinical significance of this variant remains unclear.

Labcorp Genetics (formerly Invitae), Labcorp
Classification: Uncertain significance for Neuroblastoma, susceptibility to, 3. Last evaluated: 2019-12-13. Review status: criteria provided, single submitter. Criteria: Invitae Variant Classification Sherloc (09022015). Collection method: clinical testing. Allele origin: germline.
Comment: In summary, the available evidence is currently insufficient to determine the role of this variant in disease. Therefore, it has been classified as a Variant of Uncertain Significance. Algorithms developed to predict the effect of missense changes on protein structure and function (SIFT, PolyPhen-2, Align-GVGD) all suggest that this variant is likely to be tolerated, but these predictions have not been confirmed by published functional studies and their clinical significance is uncertain. This variant has not been reported in the literature in individuals with ALK-related conditions. This variant is not present in population databases (ExAC no frequency). This sequence change replaces alanine with threonine at codon 1546 of the ALK protein (p.Ala1546Thr). The alanine residue is weakly conserved and there is a small physicochemical difference between alanine and threonine.